The following is an entry in ClinVar:

NM_052867.4(NALCN):c.2482G>A (p.Glu828Lys)

Gene: NALCN (sodium leak channel, non-selective; minus strand). Cytogenetic location: 13q33.1.
Variant type: single nucleotide variant.
Coding change: c.2482G>A on transcript NM_052867.4 (MANE Select); coding-DNA position 2482, G replaced by A.
Protein change: p.Glu828Lys; replaces glutamic acid 828 with lysine.
Molecular consequence: missense variant.
Genome position (GRCh38, 1-based): chr13:101,107,584, C>T on the plus strand (G>A on the coding strand, the complement: NALCN is on the minus strand). VCF-style: chr13-101107584-C-T. GRCh37 (hg19) VCF-style: chr13-101759935-C-T.
Other names: c.2569G>A, p.Glu857Lys (NM_001350748.2); c.2482G>A, p.Glu828Lys (NM_001350749.2); c.2395G>A, p.Glu799Lys (NM_001350750.2, NM_001350751.2); short protein forms E799K, E828K, E857K.
Identifiers: ClinVar variation 2579319 (VCV002579319.2), dbSNP rs2502184601, ClinGen allele CA388670414.
Genomic context (GRCh38, chr13:101,107,584, plus strand): 5'-TTCTGAACCTGTGTTCTCGCCCGACAATGAACAGTGGCTTATCGAAGTATGGGTGGTTCT[C>T]TCTGAGTTCCTCTTCTTGCACTTTCCTTGAAGGAGAAATTCATGGGAGAATGAGGCTAAG-3'
Protein context (NP_443099.1, residues 818-838): KRKVQEEELR[Glu828Lys]NHPYFDKPLF

ClinVar aggregate classification (germline): Uncertain significance. Review status: criteria provided, multiple submitters, no conflicts (2 of 4 stars). 2 submissions from 2 submitters: Uncertain significance (2). Last evaluated 2025-04-21.

Conditions:
Congenital contractures of the limbs and face, hypotonia, and developmental delay (CLIFAHDD). Identifiers: Orphanet 562528, MedGen C4225398, MONDO:0014556, OMIM 616266.

Submissions (2):

3billion
Classification: Uncertain significance for Congenital contractures of the limbs and face, hypotonia, and developmental delay. Last evaluated: 2025-04-21. Review status: criteria provided, single submitter. Criteria: ACMG Guidelines, 2015. Collection method: clinical testing. Allele origin: germline. Affected: yes.

GeneDx
Classification: Uncertain significance. Last evaluated: 2023-02-24. Review status: criteria provided, single submitter. Criteria: GeneDx Variant Classification Process June 2021. Collection method: clinical testing. Allele origin: germline. Affected: yes.
Comment: Not observed at significant frequency in large population cohorts (gnomAD); In silico analysis supports that this missense variant has a deleterious effect on protein structure/function; Has not been previously published as pathogenic or benign to our knowledge